The following is an entry in ClinVar:

ClinVar aggregate classification (germline): Uncertain significance. Review status: criteria provided, multiple submitters, no conflicts (2 of 4 stars). 2 submissions from 2 submitters: Uncertain significance (2). Last evaluated 2024-10-13.

Conditions:
Alpha thalassemia-X-linked intellectual disability syndrome (ATRX). Also called: ATR, NONDELETION TYPE; X-linked alpha-thalassemia-mental retardation syndrome; ALPHA-THALASSEMIA/IMPAIRED INTELLECTUAL DEVELOPMENT SYNDROME, X-LINKED; ALPHA-THALASSEMIA/MENTAL RETARDATION SYNDROME, X-LINKED; ATR-X syndrome; Alpha thalassemia mental retardation syndrome, nondeletion type, X-linked. Identifiers: Orphanet 847, MedGen C1845055, MONDO:0010519, OMIM 301040.

Submissions (2):

Labcorp Genetics (formerly Invitae), Labcorp
Classification: Uncertain significance for Alpha thalassemia-X-linked intellectual disability syndrome. Last evaluated: 2024-10-13. Review status: criteria provided, single submitter. Criteria: Invitae Variant Classification Sherloc (09022015). Collection method: clinical testing. Allele origin: germline.
Comment: This sequence change replaces isoleucine, which is neutral and non-polar, with valine, which is neutral and non-polar, at codon 2033 of the ATRX protein (p.Ile2033Val). This variant is not present in population databases (gnomAD no frequency). This variant has not been reported in the literature in individuals affected with ATRX-related conditions. ClinVar contains an entry for this variant (Variation ID: 383467). Invitae Evidence Modeling of protein sequence and biophysical properties (such as structural, functional, and spatial information, amino acid conservation, physicochemical variation, residue mobility, and thermodynamic stability) indicates that this missense variant is not expected to disrupt ATRX protein function with a negative predictive value of 95%. In summary, the available evidence is currently insufficient to determine the role of this variant in disease. Therefore, it has been classified as a Variant of Uncertain Significance.

GeneDx
Classification: Uncertain significance. Last evaluated: 2016-02-27. Review status: criteria provided, single submitter. Criteria: GeneDx Variant Classification (06012015). Collection method: clinical testing. Allele origin: germline. Affected: yes.
Comment: The I2033V variant in the ATRX gene has not been reported previously as a pathogenic variant, nor as a benign variant, to our knowledge. The I2033V variant was not observed in approximately 6500 individuals of European and African American ancestry in the NHLBI Exome Sequencing Project, indicating it is not a common benign variant in these populations. The I2033V variant is a conservative amino acid substitution, which is not likely to impact secondary protein structure as these residues share similar properties. This substitution occurs at a position where amino acids with similar properties to Isoleucine are tolerated across species. In silico analysis is inconsistent in its predictions as to whether or not the variant is damaging to the protein structure/function. A missense variants in a nearby residue (D2035V) have been reported in the Human Gene Mutation Database in association with ATRX syndrome (Stenson et al., 2014), supporting the functional importance of this region of the protein. We interpret I2033V as a variant of uncertain significance.

NM_000489.6(ATRX):c.6097A>G (p.Ile2033Val)

Gene: ATRX (ATRX chromatin remodeler; minus strand). Cytogenetic location: Xq21.1.
Variant type: single nucleotide variant.
Coding change: c.6097A>G on transcript NM_000489.6 (MANE Select); coding-DNA position 6097, A replaced by G.
Protein change: p.Ile2033Val; replaces isoleucine 2033 with valine.
Molecular consequence: missense variant.
Genome position (GRCh38, 1-based): chrX:77,593,709, T>C on the plus strand (A>G on the coding strand, the complement: ATRX is on the minus strand). VCF-style: chrX-77593709-T-C. GRCh37 (hg19) VCF-style: chrX-76849179-T-C.
Other names: c.5983A>G, p.Ile1995Val (NM_138270.5); short protein forms I2033V, I1995V.
Identifiers: ClinVar variation 383467 (VCV000383467.4), dbSNP rs1057521636, ClinGen allele CA16608939.